The following is an entry in ClinVar:

ClinVar aggregate classification (germline): Uncertain significance (1 of 4 stars; one submission).

Allele frequency attached by ClinVar (database versions not stated): gnomAD exomes below 0.00001.
gnomAD v4.1: 4 of 1,613,340 alleles (0.00025%); highest among the groups gnomAD compares: Middle Eastern, 0.017%; no homozygotes.

Submission:

GeneDx
Classification: Uncertain significance. Last evaluated: 2024-08-15. Review status: criteria provided, single submitter. Criteria: GeneDx Variant Classification Process June 2021. Collection method: clinical testing. Allele origin: germline. Affected: yes.
Comment: Not observed at significant frequency in large population cohorts (gnomAD); In silico analysis supports that this missense variant has a deleterious effect on protein structure/function; Has not been previously published as pathogenic or benign to our knowledge

NM_014491.4(FOXP2):c.1258C>T (p.Pro420Ser)

Gene: FOXP2 (forkhead box P2; plus strand). Cytogenetic location: 7q31.1.
Variant type: single nucleotide variant.
Coding change: c.1258C>T on transcript NM_014491.4 (MANE Select); coding-DNA position 1258, C replaced by T.
Protein change: p.Pro420Ser; replaces proline 420 with serine.
Molecular consequence: missense variant. On other transcripts: non-coding transcript variant (2).
Genome position (GRCh38, 1-based): chr7:114,654,001, C>T. VCF-style: chr7-114654001-C-T. GRCh37 (hg19) VCF-style: chr7-114294056-C-T.
Other names: c.1255C>T, p.Pro419Ser (NM_001172766.3); c.1333C>T, p.Pro445Ser (NM_001172767.2, NM_148898.4); c.1258C>T, p.Pro420Ser (NM_148899.3); c.1309C>T, p.Pro437Ser (NM_148900.4); short protein forms P419S, P420S, P437S, P445S.
Identifiers: ClinVar variation 1304307 (VCV001304307.3), dbSNP rs2129338688, ClinGen allele CA368964535.
Genomic context (GRCh38, chr7:114,654,001, plus strand): 5'-GAACGTCTTCAAGCAATGATGACCCACTTGCACATGCGACCCTCAGAGCCCAAACCATCT[C>T]CCAAACCTGTAAGTGCATATTGCTTTATAAACAGTAAATAGCTCTACCAATGTAACAGAC-3'
Protein context (NP_055306.1, residues 410-430): HMRPSEPKPS[Pro420Ser]KPLNLVSSVT